The following is an entry in ClinVar:

ClinVar aggregate classification (germline): Uncertain significance. Review status: criteria provided, multiple submitters, no conflicts (2 of 4 stars). 2 submissions from 2 submitters: Uncertain significance (2). Last evaluated 2025-08-26.

Conditions:
Hereditary cancer-predisposing syndrome. Also called: Hereditary neoplastic syndrome; Neoplastic Syndromes, Hereditary; Tumor predisposition; Hereditary Cancer Syndrome. Identifiers: Orphanet 140162, MedGen C0027672, MeSH D009386, MONDO:0015356.

Submissions (2):

Ambry Genetics
Classification: Uncertain significance for Hereditary cancer-predisposing syndrome. Last evaluated: 2025-08-26. Review status: criteria provided, single submitter. Criteria: Ambry Variant Classification Scheme 2023. Collection method: clinical testing. Allele origin: germline.
Comment: The c.3106_3108delGTT variant (also known as p.V1036del) is located in coding exon 10 of the PALB2 gene. This variant results from an in-frame GTT deletion at nucleotide positions 3106 to 3108. This results in the in-frame deletion of a valine at codon 1036. This amino acid position is highly conserved in available vertebrate species. In addition, this alteration is predicted to be deleterious by in silico analysis (Choi Y et al. PLoS ONE. 2012; 7(10):e46688). Since supporting evidence is limited at this time, the clinical significance of this alteration remains unclear.

GeneDx
Classification: Uncertain significance. Last evaluated: 2018-08-28. Review status: criteria provided, single submitter. Criteria: GeneDx Variant Classification (06012015). Collection method: clinical testing. Allele origin: germline. Affected: yes.
Comment: This in-frame deletion of three nucleotides in PALB2 is denoted c.3106_3108delGTT at the cDNA level and p.Val1036del (V1036del) at the protein level. The normal sequence, with the bases that are deleted in brackets, is CATT[delGTT]ATTT. This variant has not, to our knowledge, been published in the literature as a pathogenic or benign germline variant. This variant was not observed in large population cohorts (Lek 2016). This deletion of a single Valine amino acid is located in the region of interaction with RAD51, BRCA2, and POLH and in the WD4 repeat (Uniprot). In silico analysis, which includes protein predictors and evolutionary conservation, supports a deleterious effect. Since in-frame deletions may or may not inhibit proper protein functioning, the clinical significance of this finding remains unclear at this time and we consider PALB2 Val1036del to be a variant of uncertain significance.

NM_024675.4(PALB2):c.3106_3108del (p.Val1036del)

Gene: PALB2 (partner and localizer of BRCA2; minus strand). Cytogenetic location: 16p12.2.
Variant type: Deletion.
Coding change: c.3106_3108del on transcript NM_024675.4 (MANE Select); coding-DNA positions 3106 to 3108, 3 bases deleted (GTT; older notation c.3106_3108delGTT).
Protein change: p.Val1036del; deletes valine 1036.
Molecular consequence: inframe deletion.
Genome position (GRCh38, 1-based): chr16:23,621,367-23,621,369, AAC deleted on the plus strand (GTT on the coding strand, the reverse complement: PALB2 is on the minus strand); deleting any 3 consecutive bases within chr16:23,621,367-23,621,371 gives the same sequence; the c. name uses the placement nearest the transcript's 3' end. VCF-style (leftmost placement, unchanged base first): chr16-23621366-TAAC-T. GRCh37 (hg19) VCF-style: chr16-23632687-TAAC-T.
Other names: c.3106_3108delGTT (NM_024675.3); short protein forms V1036del.
Identifiers: ClinVar variation 421977 (VCV000421977.6), dbSNP rs1064795481, ClinGen allele CA16620117.